The following is an entry in ClinVar:

NM_000784.4(CYP27A1):c.1538G>T (p.Arg513Leu)

Gene: CYP27A1 (cytochrome P450 family 27 subfamily A member 1; plus strand). Cytogenetic location: 2q35.
Variant type: single nucleotide variant.
Coding change: c.1538G>T on transcript NM_000784.4 (MANE Select); coding-DNA position 1538, G replaced by T.
Protein change: p.Arg513Leu; replaces arginine 513 with leucine.
Molecular consequence: missense variant.
Genome position (GRCh38, 1-based): chr2:218,814,972, G>T. VCF-style: chr2-218814972-G-T. GRCh37 (hg19) VCF-style: chr2-219679695-G-T.
Other names: c.1538G>T (NM_000784.3); short protein forms R513L.
Identifiers: ClinVar variation 1393702 (VCV001393702.8), dbSNP rs144701596, ClinGen allele CA65835859.

ClinVar aggregate classification (germline): Uncertain significance. Review status: criteria provided, multiple submitters, no conflicts (2 of 4 stars). 3 submissions from 3 submitters: Uncertain significance (2). 1 of the submissions does not count toward it. Last evaluated 2024-05-15.

Conditions:
CYP27A1-related disorder. Also called: CYP27A1-related condition.
Cholestanol storage disease (CTX). Also called: Cerebrotendinous Xanthomatosis; CTX: Cerebrotendinous xanthomatosis; CEREBRAL CHOLESTERINOSIS. Identifiers: Orphanet 909, MedGen C0238052, MONDO:0008948, OMIM 213700.

Allele frequency attached by ClinVar (database versions not stated): gnomAD 0.00001.
gnomAD v4.1: 6 of 1,614,068 alleles (0.00037%); highest among the groups gnomAD compares: Middle Eastern, 0.016%; no homozygotes.

Submissions (3):

Women's Health and Genetics/Laboratory Corporation of America, LabCorp
Classification: Uncertain significance. Last evaluated: 2024-05-15. Review status: criteria provided, single submitter. Criteria: LabCorp Variant Classification Summary - May 2015. Collection method: clinical testing. Allele origin: germline.

Labcorp Genetics (formerly Invitae), Labcorp
Classification: Uncertain significance for Cholestanol storage disease. Last evaluated: 2022-06-25. Review status: criteria provided, single submitter. Criteria: Invitae Variant Classification Sherloc (09022015). Collection method: clinical testing. Allele origin: germline.
Comment: This sequence change replaces arginine, which is basic and polar, with leucine, which is neutral and non-polar, at codon 513 of the CYP27A1 protein (p.Arg513Leu). This variant is present in population databases (no rsID available, gnomAD 0.0009%). This missense change has been observed in individual(s) with clinical features of cerebrotendinous xanthomatosis (Invitae). In at least one individual the data is consistent with being in trans (on the opposite chromosome) from a pathogenic variant. Algorithms developed to predict the effect of missense changes on protein structure and function are either unavailable or do not agree on the potential impact of this missense change (SIFT: "Deleterious"; PolyPhen-2: "Probably Damaging"; Align-GVGD: "Class C0"). This variant disrupts the p.Arg513 amino acid residue in CYP27A1. Other variant(s) that disrupt this residue have been determined to be pathogenic (PMID: 28623566, 31743419, 32714376). This suggests that this residue is clinically significant, and that variants that disrupt this residue are likely to be disease-causing. In summary, the available evidence is currently insufficient to determine the role of this variant in disease. Therefore, it has been classified as a Variant of Uncertain Significance.

PreventionGenetics, part of Exact Sciences
Classification: Uncertain significance for CYP27A1-related condition. Last evaluated: 2023-12-22. Review status: no assertion criteria provided. Collection method: clinical testing. Allele origin: germline. Not counted in ClinVar's aggregate classification.
Comment: The CYP27A1 c.1538G>T variant is predicted to result in the amino acid substitution p.Arg513Leu. To our knowledge, this variant has not been reported in the literature. Alternate nucleotide substitutions resulting in different missense changes at the same amino acid position (i.e. p.Arg513Cys and p.Arg513His) have been reported in individuals with cerebrotendinous xanthomatosis (see for example Chen et al. 2017. PubMed ID: 28623566; Ginanneschi et al. 2013. PubMed ID: 22878431). The c.1538G>T (p.Arg513Leu) variant is reported in 0.0009% of alleles in individuals of African descent in gnomAD. At this time, the clinical significance of this variant is uncertain due to the absence of conclusive functional and genetic evidence.

Literature cited by the submitters: PubMed 28623566 (cited by Labcorp Genetics (formerly Invitae), Labcorp); PubMed 31743419 (cited by Labcorp Genetics (formerly Invitae), Labcorp); PubMed 32714376 (cited by Labcorp Genetics (formerly Invitae), Labcorp).